The following is an entry in ClinVar:

ClinVar aggregate classification (germline): Likely benign. Review status: criteria provided, multiple submitters, no conflicts (2 of 4 stars). 3 submissions from 3 submitters: Likely benign (3). Last evaluated 2025-05-09.

Conditions:
Tuberous sclerosis 2 (TSC2). Identifiers: Orphanet 805, MedGen C1860707, MONDO:0013199, OMIM 613254.

gnomAD v4.1: 3 of 1,550,918 alleles (0.00019%); highest among the groups gnomAD compares: South Asian, 0.0012%; no homozygotes.

Submissions (3):

Myriad Genetics, Inc.
Classification: Likely benign for Tuberous sclerosis 2. Last evaluated: 2025-05-09. Review status: criteria provided, single submitter. Criteria: Myriad Autosomal Dominant, Autosomal Recessive and X-Linked Classification Criteria (2023). Collection method: clinical testing. Allele origin: unknown.
Comment: This variant is considered likely benign. This variant is intronic and is not expected to impact mRNA splicing.

Labcorp Genetics (formerly Invitae), Labcorp
Classification: Likely benign for Tuberous sclerosis 2. Last evaluated: 2025-01-30. Review status: criteria provided, single submitter. Criteria: Invitae Variant Classification Sherloc (09022015). Collection method: clinical testing. Allele origin: germline.

GeneDx
Classification: Likely benign. Last evaluated: 2017-05-10. Review status: criteria provided, single submitter. Criteria: GeneDx Variant Classification (06012015). Collection method: clinical testing. Allele origin: germline. Affected: yes.
Comment: This variant is considered likely benign or benign based on one or more of the following criteria: it is a conservative change, it occurs at a poorly conserved position in the protein, it is predicted to be benign by multiple in silico algorithms, and/or has population frequency not consistent with disease.

NM_000548.5(TSC2):c.775-16G>C

Gene: TSC2 (TSC complex subunit 2; plus strand). Cytogenetic location: 16p13.3.
Variant type: single nucleotide variant.
Coding change: c.775-16G>C on transcript NM_000548.5 (MANE Select); 16 bases into the intron before coding-DNA position 775, G replaced by C.
Molecular consequence: intron variant.
Genome position (GRCh38, 1-based): chr16:2,057,089, G>C. VCF-style: chr16-2057089-G-C. GRCh37 (hg19) VCF-style: chr16-2107090-G-C.
Other names: c.775-16G>C (NM_001114382.3, NM_021055.3, NM_001370405.1 and 3 more transcripts); c.664-16G>C (NM_001318827.2); c.175-16G>C (NM_001318831.2); c.628-16G>C (NM_001318829.2); c.808-16G>C (NM_001318832.2).
Identifiers: ClinVar variation 509482 (VCV000509482.6), dbSNP rs1359566041, ClinGen allele CA658798475.